The following is an entry in ClinVar:

ClinVar aggregate classification (germline): Uncertain significance (1 of 4 stars; one submission).

Conditions:
Autosomal dominant hypocalcemia 1 (HYPOC1). Also called: HYPOCALCEMIA, FAMILIAL. Identifiers: MedGen C3715128, MONDO:0011013, OMIM 601198.
Familial hypocalciuric hypercalcemia (FHH). Also called: Familial benign hypercalcemia. Identifiers: Orphanet 405, MedGen C1809471, MONDO:0018458.

Allele frequency attached by ClinVar (database versions not stated): gnomAD exomes below 0.00001.
gnomAD v4.1: 1 of 1,614,146 alleles (0.000062%); highest among the groups gnomAD compares: Non-Finnish European, 0.000085%; no homozygotes.

Submission:

Labcorp Genetics (formerly Invitae), Labcorp
Classification: Uncertain significance for Familial hypocalciuric hypercalcemia; Autosomal dominant hypocalcemia 1. Last evaluated: 2023-10-22. Review status: criteria provided, single submitter. Criteria: Invitae Variant Classification Sherloc (09022015). Collection method: clinical testing. Allele origin: germline.
Comment: This sequence change replaces phenylalanine, which is neutral and non-polar, with serine, which is neutral and polar, at codon 789 of the CASR protein (p.Phe789Ser). This variant is not present in population databases (gnomAD no frequency). This variant has not been reported in the literature in individuals affected with CASR-related conditions. An algorithm developed to predict the effect of missense changes on protein structure and function (PolyPhen-2) suggests that this variant is likely to be disruptive. In summary, the available evidence is currently insufficient to determine the role of this variant in disease. Therefore, it has been classified as a Variant of Uncertain Significance.

NM_000388.4(CASR):c.2366T>C (p.Phe789Ser)

Gene: CASR (calcium sensing receptor; plus strand). Cytogenetic location: 3q21.1.
Variant type: single nucleotide variant.
Coding change: c.2366T>C on transcript NM_000388.4 (MANE Select); coding-DNA position 2366, T replaced by C.
Protein change: p.Phe789Ser; replaces phenylalanine 789 with serine.
Molecular consequence: missense variant.
Genome position (GRCh38, 1-based): chr3:122,284,320, T>C. VCF-style: chr3-122284320-T-C. GRCh37 (hg19) VCF-style: chr3-122003167-T-C.
Other names: c.2396T>C, p.Phe799Ser (NM_001178065.2); short protein forms F799S, F789S.
Identifiers: ClinVar variation 2953202 (VCV002953202.3), dbSNP rs2473279717, ClinGen allele CA354159638.
Genomic context (GRCh38, chr3:122,284,320, plus strand): 5'-CCCTCATGGCCCTGGGCTTCCTGATCGGCTACACCTGCCTGCTGGCTGCCATCTGCTTCT[T>C]CTTTGCCTTCAAGTCCCGGAAGCTGCCGGAGAACTTCAATGAAGCCAAGTTCATCACCTT-3'
Protein context (NP_000379.3, residues 779-799): YTCLLAAICF[Phe789Ser]FAFKSRKLPE